The following is an entry in ClinVar:

ClinVar aggregate classification (germline): Benign (1 of 4 stars; one submission).

Conditions:
Leigh syndrome (NULS). Also called: Leigh's necrotizing encephalopathy; Leigh's disease; Leigh Syndrome (mtDNA deletion); Leigh Disease; Subacute necrotizing encephalopathy; Necrotizing encephalopathy infantile subacute of Leigh. Identifiers: Orphanet 506, MedGen C2931891, MONDO:0009723, OMIM 256000.

Submission:

Wong Mito Lab, Molecular and Human Genetics, Baylor College of Medicine
Classification: Benign for Leigh syndrome. Last evaluated: 2019-10-17. Review status: criteria provided, single submitter. Criteria: Modified ACMG Guidelines (Unpublished). Collection method: clinical testing. Allele origin: germline.
Comment: The NC_012920.1:m.8477T>C (YP_003024030.1:p.Ser38Pro) variant in MTATP8 gene is interpretated to be a Benign variant based on the modified ACMG guidelines (unpublished). This variant meets the following evidence codes: BS1, BS2, BP4

NC_012920.1(MT-ATP8):m.8477T>C

Gene: MT-ATP8 (mitochondrially encoded ATP synthase 8; plus strand).
Variant type: single nucleotide variant.
Genome position: chrM-8477-T-C.
Identifiers: ClinVar variation 692871 (VCV000692871.1), dbSNP rs1603221517, ClinGen allele CA414796268.
Genomic context (GRCh38, chrMT:8,477, plus strand): 5'-CTTACACTATTCCTCATCACCCAACTAAAAATATTAAACACAAACTACCACCTACCTCCC[T>C]CACCAAAGCCCATAAAAATAAAAAATTATAACAAACCCTGAGAACCAAAATGAACGAAAA-3'